The following is an entry in ClinVar:

NM_138694.4(PKHD1):c.11740C>T (p.Arg3914Ter)

Gene: PKHD1 (PKHD1 ciliary IPT domain containing fibrocystin/polyductin; minus strand). Cytogenetic location: 6p12.3.
Variant type: single nucleotide variant.
Coding change: c.11740C>T on transcript NM_138694.4 (MANE Select); coding-DNA position 11740, C replaced by T.
Protein change: p.Arg3914Ter; replaces arginine 3914 with a stop codon.
Molecular consequence: nonsense.
Genome position (GRCh38, 1-based): chr6:51,627,042, G>A on the plus strand (C>T on the coding strand, the complement: PKHD1 is on the minus strand). VCF-style: chr6-51627042-G-A. GRCh37 (hg19) VCF-style: chr6-51491840-G-A.
Other names: short protein forms R3914*.
Identifiers: ClinVar variation 554930 (VCV000554930.15), dbSNP rs761704401, ClinGen allele CA3850719.

ClinVar aggregate classification (germline): Conflicting classifications of pathogenicity. Review status: criteria provided, conflicting classifications (1 of 4 stars). 8 submissions from 8 submitters: Pathogenic (2); Likely pathogenic (3); Uncertain significance (2). 1 of the submissions does not count toward it. Last evaluated 2025-12-28.

Conditions:
Polycystic kidney disease 4 (PKD4). Also called: POLYCYSTIC KIDNEY AND HEPATIC DISEASE 1; POLYCYSTIC KIDNEY DISEASE, INFANTILE, TYPE I; Autosomal Recessive Polycystic Kidney Disease – PKHD1; PKD3; POLYCYSTIC KIDNEY DISEASE 4 WITH OR WITHOUT POLYCYSTIC LIVER DISEASE. Identifiers: MedGen C4540575, MONDO:0033004, OMIM 263200.
Autosomal recessive polycystic kidney disease (ARPKD). Also called: AR polycystic kidney disease. Identifiers: Orphanet 731, Orphanet 8378, MedGen C0085548, MeSH D017044, MONDO:0009889.
PKHD1-related disorder. Also called: PKHD1-related condition.

Allele frequency attached by ClinVar (database versions not stated): TOPMed below 0.00001; gnomAD 0.00001; gnomAD exomes 0.00001; ExAC 0.00003.
gnomAD v4.1: 17 of 1,612,942 alleles (0.0011%); highest among the groups gnomAD compares: East Asian, 0.011%; no homozygotes.

Submissions (8):

Labcorp Genetics (formerly Invitae), Labcorp
Classification: Pathogenic for Autosomal recessive polycystic kidney disease. Last evaluated: 2025-12-28. Review status: criteria provided, single submitter. Criteria: Invitae Variant Classification Sherloc (09022015). Collection method: clinical testing. Allele origin: germline.
Comment: This sequence change creates a premature translational stop signal (p.Arg3914*) in the PKHD1 gene. While this is not anticipated to result in nonsense mediated decay, it is expected to disrupt the last 161 amino acid(s) of the PKHD1 protein. This variant is present in population databases (rs761704401, gnomAD 0.02%). This variant has not been reported in the literature in individuals affected with PKHD1-related conditions. ClinVar contains an entry for this variant (Variation ID: 554930). This variant disrupts a region of the PKHD1 protein in which other variant(s) (p.Arg3961*) have been determined to be pathogenic (internal data). This suggests that this is a clinically significant region of the protein, and that variants that disrupt it are likely to be disease-causing. For these reasons, this variant has been classified as Pathogenic.

Natera, Inc.
Classification: Likely pathogenic for Autosomal recessive polycystic kidney disease. Last evaluated: 2025-09-09. Review status: criteria provided, single submitter. Criteria: Natera Variant Classification Schema (03/2026). Collection method: clinical testing. Allele origin: germline.
Comment: The c.11740C>T variant in PKHD1 is a nonsense variant predicted to introduce a stop codon at amino acid 3914. This variant is expected to result in nonsense mediated decay, truncation, or a dysfunctional protein product. This variant is rare in the general population with a frequency below the threshold expected for the associated phenotype(s). Given the available evidence, this variant is classified as Likely Pathogenic.

Fulgent Genetics
Classification: Likely pathogenic for Polycystic kidney disease 4. Last evaluated: 2024-04-10. Review status: criteria provided, single submitter. Criteria: ACMG Guidelines, 2015. Collection method: clinical testing. Allele origin: germline.

Baylor Genetics
Classification: Likely pathogenic for Polycystic kidney disease 4. Last evaluated: 2024-03-29. Review status: criteria provided, single submitter. Criteria: ACMG Guidelines, 2015. Collection method: clinical testing. Allele origin: unknown.

PreventionGenetics, part of Exact Sciences
Classification: Pathogenic for PKHD1-related condition. Last evaluated: 2023-06-06. Review status: criteria provided, single submitter. Criteria: ACMG Guidelines, 2015. Collection method: clinical testing. Allele origin: germline.
Comment: The PKHD1 c.11740C>T variant is predicted to result in premature protein termination (p.Arg3914*). This variant was reported in a cohort of individuals being analyzed for carrier screening (Zhao et al 2019. PubMed ID: 30275481), but to our knowledge has not been reported in affected individuals with PKHD1-related phenotypes. This variant is reported in 0.016% of alleles in individuals of East Asian descent in gnomAD. Truncating variants in PKHD1 are expected to be pathogenic. This variant is interpreted as pathogenic.

Department of Pathology and Laboratory Medicine, Sinai Health System
Classification: Uncertain significance for Polycystic kidney disease 4. Last evaluated: 2022-01-06. Review status: criteria provided, single submitter. Criteria: ACMG Guidelines, 2015. Collection method: research. Allele origin: germline.

Juno Genomics, Hangzhou Juno Genomics, Inc
Classification: Uncertain significance for Polycystic kidney disease 4. Review status: criteria provided, single submitter. Criteria: ACMG Guidelines, 2015. Collection method: clinical testing. Allele origin: germline.
Comment: Null variant in a gene where loss of function (LOF) is a known mechanism of disease.;Absent from controls (or at extremely low frequency if recessive) in Genome Aggregation Database.

Counsyl
Classification: Uncertain significance for Polycystic kidney disease 4. Last evaluated: 2017-11-09. Review status: no assertion criteria provided. Collection method: clinical testing. Allele origin: unknown. Not counted in ClinVar's aggregate classification.